The following is an entry in ClinVar:

NM_000057.4(BLM):c.2726A>C (p.Gln909Pro)

Gene: BLM (BLM RecQ like helicase; plus strand). Cytogenetic location: 15q26.1.
Variant type: single nucleotide variant.
Coding change: c.2726A>C on transcript NM_000057.4 (MANE Select); coding-DNA position 2726, A replaced by C.
Protein change: p.Gln909Pro; replaces glutamine 909 with proline.
Molecular consequence: missense variant.
Genome position (GRCh38, 1-based): chr15:90,784,984, A>C. VCF-style: chr15-90784984-A-C. GRCh37 (hg19) VCF-style: chr15-91328214-A-C.
Other names: c.2726A>C, p.Gln909Pro (NM_001287246.2, NM_001287247.2); c.1601A>C, p.Gln534Pro (NM_001287248.2); c.2726A>C (NM_000057.2); short protein forms Q909P, Q534P.
Identifiers: ClinVar variation 581465 (VCV000581465.9), dbSNP rs770627241, ClinGen allele CA393845977.

ClinVar aggregate classification (germline): Uncertain significance. Review status: criteria provided, multiple submitters, no conflicts (2 of 4 stars). 2 submissions from 2 submitters: Uncertain significance (2). Last evaluated 2025-06-02.

Conditions:
Bloom syndrome (BLM). Also called: Bloom-Torre-Machacek syndrome. Identifiers: Orphanet 125, MedGen C0005859, MONDO:0008876, OMIM 210900.
Hereditary cancer-predisposing syndrome. Also called: Neoplastic Syndromes, Hereditary; Tumor predisposition; Hereditary neoplastic syndrome; Hereditary Cancer Syndrome. Identifiers: Orphanet 140162, MedGen C0027672, MeSH D009386, MONDO:0015356.

gnomAD v4.1: 2 of 1,614,196 alleles (0.00012%); highest among the groups gnomAD compares: Non-Finnish European, 0.000085%; no homozygotes.

Submissions (2):

Labcorp Genetics (formerly Invitae), Labcorp
Classification: Uncertain significance for Bloom syndrome. Last evaluated: 2025-06-02. Review status: criteria provided, single submitter. Criteria: Invitae Variant Classification Sherloc (09022015). Collection method: clinical testing. Allele origin: germline.
Comment: This sequence change replaces glutamine, which is neutral and polar, with proline, which is neutral and non-polar, at codon 909 of the BLM protein (p.Gln909Pro). This variant is not present in population databases (gnomAD no frequency). This variant has not been reported in the literature in individuals affected with BLM-related conditions. ClinVar contains an entry for this variant (Variation ID: 581465). Invitae Evidence Modeling of protein sequence and biophysical properties (such as structural, functional, and spatial information, amino acid conservation, physicochemical variation, residue mobility, and thermodynamic stability) indicates that this missense variant is expected to disrupt BLM protein function with a positive predictive value of 80%. In summary, the available evidence is currently insufficient to determine the role of this variant in disease. Therefore, it has been classified as a Variant of Uncertain Significance.

Ambry Genetics
Classification: Uncertain significance for Hereditary cancer-predisposing syndrome. Last evaluated: 2025-02-28. Review status: criteria provided, single submitter. Criteria: Ambry Variant Classification Scheme 2023. Collection method: clinical testing. Allele origin: germline.
Comment: The p.Q909P variant (also known as c.2726A>C), located in coding exon 13 of the BLM gene, results from an A to C substitution at nucleotide position 2726. The glutamine at codon 909 is replaced by proline, an amino acid with similar properties. This amino acid position is conserved. In addition, the in silico prediction for this alteration is inconclusive. Based on the available evidence, the clinical significance of this variant remains unclear.